The following is an entry in ClinVar:

NM_024496.4(IRF2BPL):c.1656C>T (p.Asp552=)

Gene: IRF2BPL (interferon regulatory factor 2 binding protein like; minus strand). Cytogenetic location: 14q24.3.
Variant type: single nucleotide variant.
Coding change: c.1656C>T on transcript NM_024496.4 (MANE Select); coding-DNA position 1656, C replaced by T.
Protein change: p.Asp552=; no amino-acid change (aspartic acid 552 retained).
Molecular consequence: synonymous variant.
Genome position (GRCh38, 1-based): chr14:77,026,137, G>A on the plus strand (C>T on the coding strand, the complement: IRF2BPL is on the minus strand). VCF-style: chr14-77026137-G-A. GRCh37 (hg19) VCF-style: chr14-77492480-G-A.
Identifiers: ClinVar variation 2578722 (VCV002578722.26), dbSNP rs1227932885, ClinGen allele CA487507342.

ClinVar aggregate classification (germline): Likely benign. Review status: criteria provided, multiple submitters, no conflicts (2 of 4 stars). 2 submissions from 2 submitters: Likely benign (2). Last evaluated 2023-07-01.

Allele frequency attached by ClinVar (database versions not stated): gnomAD 0.00001; TOPMed 0.00001; gnomAD exomes 0.00004.
gnomAD v4.1: 62 of 1,552,960 alleles (0.004%); highest among the groups gnomAD compares: Non-Finnish European, 0.0053%; no homozygotes.

Submissions (2):

CeGaT Center for Human Genetics Tuebingen
Classification: Likely benign. Last evaluated: 2023-07-01. Review status: criteria provided, single submitter. Criteria: CeGaT Center For Human Genetics Tuebingen Variant Classification Criteria Version 2. Collection method: clinical testing. Allele origin: germline. Affected: yes. Observed: 1 variant allele.
Comment: IRF2BPL: BP4, BP7

Blueprint Genetics
Classification: Likely benign. Last evaluated: 2020-12-15. Review status: criteria provided, single submitter. Criteria: ACMG Guidelines, 2015. Collection method: clinical testing. Allele origin: germline.